The following is an entry in ClinVar:

ClinVar aggregate classification (germline): Uncertain significance (1 of 4 stars; one submission).

Conditions:
Neuropathy, hereditary sensory and autonomic, type 1C. Also called: HSAN IC; HSN IC. Identifiers: Orphanet 36386, MedGen C3150896, MONDO:0013337, OMIM 613640.

Allele frequency attached by ClinVar (database versions not stated): gnomAD exomes below 0.00001.

Submission:

Labcorp Genetics (formerly Invitae), Labcorp
Classification: Uncertain significance for Neuropathy, hereditary sensory and autonomic, type 1C. Last evaluated: 2019-10-04. Review status: criteria provided, single submitter. Criteria: Invitae Variant Classification Sherloc (09022015). Collection method: clinical testing. Allele origin: germline.
Comment: In summary, the available evidence is currently insufficient to determine the role of this variant in disease. Therefore, it has been classified as a Variant of Uncertain Significance. The frequency data for this variant in the population databases is considered unreliable, as metrics indicate insufficient coverage at this position in the ExAC database. This sequence change replaces proline with serine at codon 5 of the SPTLC2 protein (p.Pro5Ser). The proline residue is weakly conserved and there is a moderate physicochemical difference between proline and serine. This variant has not been reported in the literature in individuals with SPTLC2-related conditions. Algorithms developed to predict the effect of missense changes on protein structure and function (SIFT, PolyPhen-2, Align-GVGD) all suggest that this variant is likely to be tolerated, but these predictions have not been confirmed by published functional studies and their clinical significance is uncertain.

NM_004863.4(SPTLC2):c.13C>T (p.Pro5Ser)

Gene: SPTLC2 (serine palmitoyltransferase long chain base subunit 2; minus strand). Cytogenetic location: 14q24.3.
Variant type: single nucleotide variant.
Coding change: c.13C>T on transcript NM_004863.4 (MANE Select); coding-DNA position 13, C replaced by T.
Protein change: p.Pro5Ser; replaces proline 5 with serine.
Molecular consequence: missense variant.
Genome position (GRCh38, 1-based): chr14:77,616,567, G>A on the plus strand (C>T on the coding strand, the complement: SPTLC2 is on the minus strand). VCF-style: chr14-77616567-G-A. GRCh37 (hg19) VCF-style: chr14-78082910-G-A.
Other names: short protein forms P5S.
Identifiers: ClinVar variation 968734 (VCV000968734.9), dbSNP rs1473189491, ClinGen allele CA390712717.